The following is an entry in ClinVar:

NM_001148.6(ANK2):c.127A>G (p.Asn43Asp)

Gene: ANK2 (ankyrin 2; plus strand). Cytogenetic location: 4q25.
Variant type: single nucleotide variant.
Coding change: c.127A>G on transcript NM_001148.6 (MANE Select); coding-DNA position 127, A replaced by G.
Protein change: p.Asn43Asp; replaces asparagine 43 with aspartic acid.
Molecular consequence: missense variant.
Genome position (GRCh38, 1-based): chr4:113,174,458, A>G. VCF-style: chr4-113174458-A-G. GRCh37 (hg19) VCF-style: chr4-114095614-A-G.
Other names: c.64A>G, p.Asn22Asp (NM_001127493.3, NM_001354239.2, NM_001354243.2 and 33 more transcripts); c.127A>G, p.Asn43Asp (NM_001354225.2, NM_001354228.2, NM_001354232.2 and 9 more transcripts); c.172A>G, p.Asn58Asp (NM_001354230.2, NM_001354231.2, NM_001354237.2 and 5 more transcripts); c.109A>G, p.Asn37Asp (NM_001354261.2, NM_001386147.1, NM_001386160.1); c.115A>G, p.Asn39Asp (NM_001354269.3, NM_001386148.2, NM_001386186.2 and 1 more transcripts); c.178A>G, p.Asn60Asp (NM_001386174.1, NM_001386175.1); short protein forms N43D, N60D, N22D, N39D, N58D, N37D.
Identifiers: ClinVar variation 1345717 (VCV001345717.8), dbSNP rs2153225129, ClinGen allele CA357992930.

ClinVar aggregate classification (germline): Uncertain significance (1 of 4 stars; one submission).

Conditions:
Long QT syndrome (LQTS). Identifiers: MedGen C0023976, MeSH D008133, MONDO:0002442. Disease mechanism: loss of function. Inheritance: Various modes of inheritance.

Submission:

Labcorp Genetics (formerly Invitae), Labcorp
Classification: Uncertain significance for Long QT syndrome. Last evaluated: 2022-06-13. Review status: criteria provided, single submitter. Criteria: Invitae Variant Classification Sherloc (09022015). Collection method: clinical testing. Allele origin: germline.
Comment: In summary, the available evidence is currently insufficient to determine the role of this variant in disease. Therefore, it has been classified as a Variant of Uncertain Significance. Algorithms developed to predict the effect of missense changes on protein structure and function are either unavailable or do not agree on the potential impact of this missense change (SIFT: "Tolerated"; PolyPhen-2: "Probably Damaging"; Align-GVGD: "Class C0"). This variant has not been reported in the literature in individuals affected with ANK2-related conditions. This variant is not present in population databases (gnomAD no frequency). This sequence change replaces asparagine, which is neutral and polar, with aspartic acid, which is acidic and polar, at codon 43 of the ANK2 protein (p.Asn43Asp).